The following is an entry in ClinVar:

NM_004104.5(FASN):c.7104A>G (p.Ile2368Met)

Gene: FASN (fatty acid synthase; minus strand). Cytogenetic location: 17q25.3.
Variant type: single nucleotide variant.
Coding change: c.7104A>G on transcript NM_004104.5 (MANE Select); coding-DNA position 7104, A replaced by G.
Protein change: p.Ile2368Met; replaces isoleucine 2368 with methionine.
Molecular consequence: missense variant.
Genome position (GRCh38, 1-based): chr17:82,080,182, T>C on the plus strand (A>G on the coding strand, the complement: FASN is on the minus strand). VCF-style: chr17-82080182-T-C. GRCh37 (hg19) VCF-style: chr17-80038058-T-C.
Other names: short protein forms I2368M.
Identifiers: ClinVar variation 958899 (VCV000958899.9), dbSNP rs2033961830, ClinGen allele CA401597365.

ClinVar aggregate classification (germline): Uncertain significance (1 of 4 stars; one submission).

Conditions:
Epileptic encephalopathy. Identifiers: MedGen C0543888, HP:0200134.

Submission:

Labcorp Genetics (formerly Invitae), Labcorp
Classification: Uncertain significance for Epileptic encephalopathy. Last evaluated: 2019-08-22. Review status: criteria provided, single submitter. Criteria: Invitae Variant Classification Sherloc (09022015). Collection method: clinical testing. Allele origin: germline.
Comment: In summary, the available evidence is currently insufficient to determine the role of this variant in disease. Therefore, it has been classified as a Variant of Uncertain Significance. Algorithms developed to predict the effect of missense changes on protein structure and function output the following: SIFT: "Tolerated"; PolyPhen-2: "Benign"; Align-GVGD: "Class C0". The methionine amino acid residue is found in multiple mammalian species, suggesting that this missense change does not adversely affect protein function. These predictions have not been confirmed by published functional studies and their clinical significance is uncertain. This variant has not been reported in the literature in individuals with FASN-related conditions. This variant is not present in population databases (ExAC no frequency). This sequence change replaces isoleucine with methionine at codon 2368 of the FASN protein (p.Ile2368Met). The isoleucine residue is weakly conserved and there is a small physicochemical difference between isoleucine and methionine.